The following is an entry in ClinVar:

NM_000465.4(BARD1):c.1373A>T (p.Asp458Val)

Gene: BARD1 (BRCA1 associated RING domain 1; minus strand). Cytogenetic location: 2q35.
Variant type: single nucleotide variant.
Coding change: c.1373A>T on transcript NM_000465.4 (MANE Select); coding-DNA position 1373, A replaced by T.
Protein change: p.Asp458Val; replaces aspartic acid 458 with valine.
Molecular consequence: missense variant. On other transcripts: non-coding transcript variant (3), intron variant (3).
Genome position (GRCh38, 1-based): chr2:214,769,254, T>A on the plus strand (A>T on the coding strand, the complement: BARD1 is on the minus strand). VCF-style: chr2-214769254-T-A. GRCh37 (hg19) VCF-style: chr2-215633978-T-A.
Other names: c.1316A>T, p.Asp439Val (NM_001282543.2); c.159-16699A>T (NM_001282548.2); c.216-16699A>T (NM_001282545.2); c.364+23043A>T (NM_001282549.2); short protein forms D458V, D439V.
Identifiers: ClinVar variation 232976 (VCV000232976.5), dbSNP rs876660108, ClinGen allele CA10577806.

ClinVar aggregate classification (germline): Uncertain significance (1 of 4 stars; one submission).

Conditions:
Hereditary cancer-predisposing syndrome. Also called: Neoplastic Syndromes, Hereditary; Tumor predisposition; Hereditary Cancer Syndrome; Hereditary neoplastic syndrome. Identifiers: Orphanet 140162, MedGen C0027672, MeSH D009386, MONDO:0015356.

gnomAD v4.1: 2 of 1,613,512 alleles (0.00012%); highest among the groups gnomAD compares: Non-Finnish European, 0.00017%; no homozygotes.

Submission:

Ambry Genetics
Classification: Uncertain significance for Hereditary cancer-predisposing syndrome. Last evaluated: 2015-07-17. Review status: criteria provided, single submitter. Criteria: Ambry Variant Classification Scheme 2023. Collection method: clinical testing. Allele origin: germline.
Comment: The p.D458V variant (also known as c.1373A>T), located in coding exon 5 of the BARD1 gene, results from an A to T substitution at nucleotide position 1373. The aspartic acid at codon 458 is replaced by valine, an amino acid with highly dissimilar properties. This variant was not reported in population based cohorts in the following databases: Database of Single Nucleotide Polymorphisms (dbSNP), NHLBI Exome Sequencing Project (ESP), and 1000 Genomes Project. In the ESP, this variant was not observed in 6503 samples (13006 alleles) with coverage at this position. To date, this alteration has been detected with an allele frequency of approximately 0.002% (greater than 65000 alleles tested) in our clinical cohort. This amino acid position is highly conserved in available vertebrate species. In addition, this alteration is predicted to be deleterious by in silico analysis. Since supporting evidence is limited at this time, the clinical significance of p.D458V remains unclear.